The following is an entry in ClinVar:

ClinVar aggregate classification (germline): Uncertain significance (1 of 4 stars; one submission).

Conditions:
Familial cold autoinflammatory syndrome 3 (FCAS3). Also called: FAMILIAL ATYPICAL COLD URTICARIA; ANTIBODY DEFICIENCY AND IMMUNE DYSREGULATION, PLCG2-ASSOCIATED. Identifiers: Orphanet 300359, MedGen C3280914, MONDO:0013766, OMIM 614468.

Submission:

Labcorp Genetics (formerly Invitae), Labcorp
Classification: Uncertain significance for Familial cold autoinflammatory syndrome 3. Last evaluated: 2025-10-06. Review status: criteria provided, single submitter. Criteria: Invitae Variant Classification Sherloc (09022015). Collection method: clinical testing. Allele origin: germline.
Comment: This sequence change falls in intron 25 of the PLCG2 gene. It does not directly change the encoded amino acid sequence of the PLCG2 protein. This variant is not present in population databases (gnomAD no frequency). This variant has not been reported in the literature in individuals affected with PLCG2-related conditions. Algorithms developed to predict the effect of sequence changes on RNA splicing suggest that this variant may disrupt the consensus splice site. In summary, the available evidence is currently insufficient to determine the role of this variant in disease. Therefore, it has been classified as a Variant of Uncertain Significance.

NM_002661.5(PLCG2):c.2740-8C>G

Gene: PLCG2 (phospholipase C gamma 2; plus strand). Cytogenetic location: 16q23.3.
Variant type: single nucleotide variant.
Coding change: c.2740-8C>G on transcript NM_002661.5 (MANE Select); 8 bases into the intron before coding-DNA position 2740, C replaced by G.
Molecular consequence: intron variant.
Genome position (GRCh38, 1-based): chr16:81,934,421, C>G. VCF-style: chr16-81934421-C-G. GRCh37 (hg19) VCF-style: chr16-81968026-C-G.
Other names: c.2740-8C>G (NM_001425751.1, NM_001425749.1, NM_001425750.1).
Identifiers: ClinVar variation 4760277 (VCV004760277.1).